The following is an entry in ClinVar:

ClinVar aggregate classification (germline): Uncertain significance (1 of 4 stars; one submission).

Conditions:
Emery-Dreifuss muscular dystrophy 4, autosomal dominant (EDMD4). Also called: EMERY-DREIFUSS MUSCULAR DYSTROPHY 4 WITH VARIABLE FEATURES. Identifiers: Orphanet 261, MedGen C2751807, MONDO:0013071, OMIM 612998.
Autosomal recessive ataxia, Beauce type. Also called: Spinocerebellar ataxia, autosomal recessive 8; ATAXIA, RECESSIVE, OF BEAUCE; SYNE1-Related Autosomal Recessive Cerebellar Ataxia; SYNE1 Deficiency. Identifiers: Orphanet 88644, MedGen C1853116, MONDO:0012549, OMIM 610743.

Submission:

Labcorp Genetics (formerly Invitae), Labcorp
Classification: Uncertain significance for Emery-Dreifuss muscular dystrophy 4, autosomal dominant; Autosomal recessive ataxia, Beauce type. Last evaluated: 2024-08-13. Review status: criteria provided, single submitter. Criteria: Invitae Variant Classification Sherloc (09022015). Collection method: clinical testing. Allele origin: germline.
Comment: This sequence change replaces glutamine, which is neutral and polar, with leucine, which is neutral and non-polar, at codon 4942 of the SYNE1 protein (p.Gln4942Leu). This variant is not present in population databases (gnomAD no frequency). This variant has not been reported in the literature in individuals affected with SYNE1-related conditions. An algorithm developed to predict the effect of missense changes on protein structure and function (PolyPhen-2) suggests that this variant is likely to be tolerated. In summary, the available evidence is currently insufficient to determine the role of this variant in disease. Therefore, it has been classified as a Variant of Uncertain Significance.

NM_182961.4(SYNE1):c.15038A>T (p.Gln5013Leu)

Gene: SYNE1 (spectrin repeat containing nuclear envelope protein 1; minus strand). Cytogenetic location: 6q25.2.
Variant type: single nucleotide variant.
Coding change: c.15038A>T on transcript NM_182961.4 (MANE Select); coding-DNA position 15038, A replaced by T.
Protein change: p.Gln5013Leu; replaces glutamine 5013 with leucine.
Molecular consequence: missense variant.
Genome position (GRCh38, 1-based): chr6:152,326,551, T>A on the plus strand (A>T on the coding strand, the complement: SYNE1 is on the minus strand). VCF-style: chr6-152326551-T-A. GRCh37 (hg19) VCF-style: chr6-152647686-T-A.
Other names: c.14825A>T, p.Gln4942Leu (NM_033071.5); short protein forms Q4942L, Q5013L.
Identifiers: ClinVar variation 3752792 (VCV003752792.2).